The following is an entry in ClinVar:

ClinVar aggregate classification (germline): Likely benign (1 of 4 stars; one submission).

gnomAD v4.1: 8 of 1,599,824 alleles (0.0005%); highest among the groups gnomAD compares: Admixed American, 0.01%; no homozygotes.

Submission:

CeGaT Center for Human Genetics Tuebingen
Classification: Likely benign. Last evaluated: 2026-06-01. Review status: criteria provided, single submitter. Criteria: CeGaT Center For Human Genetics Tuebingen Variant Classification Criteria Version 2. Collection method: clinical testing. Allele origin: germline. Affected: yes. Observed: 1 variant allele.
Comment: WDR81: BP4, BP7

NM_001163809.2(WDR81):c.5094G>A (p.Lys1698=)

Gene: WDR81 (WD repeat domain 81; plus strand). Cytogenetic location: 17p13.3.
Variant type: single nucleotide variant.
Coding change: c.5094G>A on transcript NM_001163809.2 (MANE Select); coding-DNA position 5094, G replaced by A.
Protein change: p.Lys1698=; no amino-acid change (lysine 1698 retained).
Molecular consequence: synonymous variant.
Genome position (GRCh38, 1-based): chr17:1,734,131, G>A. VCF-style: chr17-1734131-G-A. GRCh37 (hg19) VCF-style: chr17-1637425-G-A.
Other names: c.1485G>A, p.Lys495= (NM_001163673.2); c.1413G>A, p.Lys471= (NM_001163811.2); c.1941G>A, p.Lys647= (NM_152348.4).
Identifiers: ClinVar variation 4872288 (VCV004872288.2).